The following is an entry in ClinVar:

ClinVar aggregate classification (germline): Uncertain significance (1 of 4 stars; one submission).

Conditions:
Ullrich congenital muscular dystrophy 2 (UCMD2). Identifiers: Orphanet 75840, MedGen C4225314, MONDO:0014654, OMIM 616470.
Bethlem myopathy 2 (BTHLM2). Identifiers: Orphanet 536516, Orphanet 610, MedGen C4225313, MONDO:0034022, OMIM 616471.

Submission:

Labcorp Genetics (formerly Invitae), Labcorp
Classification: Uncertain significance for Bethlem myopathy 2; Ullrich congenital muscular dystrophy 2. Last evaluated: 2022-06-17. Review status: criteria provided, single submitter. Criteria: Invitae Variant Classification Sherloc (09022015). Collection method: clinical testing. Allele origin: germline.
Comment: In summary, the available evidence is currently insufficient to determine the role of this variant in disease. Therefore, it has been classified as a Variant of Uncertain Significance. Algorithms developed to predict the effect of missense changes on protein structure and function are either unavailable or do not agree on the potential impact of this missense change (SIFT: "Deleterious"; PolyPhen-2: "Possibly Damaging"; Align-GVGD: "Class C0"). This variant has not been reported in the literature in individuals affected with COL12A1-related conditions. This variant is not present in population databases (gnomAD no frequency). This sequence change replaces histidine, which is basic and polar, with aspartic acid, which is acidic and polar, at codon 1256 of the COL12A1 protein (p.His1256Asp).

NM_004370.6(COL12A1):c.3766C>G (p.His1256Asp)

Gene: COL12A1 (collagen type XII alpha 1 chain; minus strand). Cytogenetic location: 6q13.
Variant type: single nucleotide variant.
Coding change: c.3766C>G on transcript NM_004370.6 (MANE Select); coding-DNA position 3766, C replaced by G.
Protein change: p.His1256Asp; replaces histidine 1256 with aspartic acid.
Molecular consequence: missense variant.
Genome position (GRCh38, 1-based): chr6:75,152,200, G>C on the plus strand (C>G on the coding strand, the complement: COL12A1 is on the minus strand). VCF-style: chr6-75152200-G-C. GRCh37 (hg19) VCF-style: chr6-75861916-G-C.
Other names: c.274C>G, p.His92Asp (NM_080645.3); short protein forms H92D, H1256D.
Identifiers: ClinVar variation 2140669 (VCV002140669.4), dbSNP rs2533400726, ClinGen allele CA364749414.